The following is an entry in ClinVar:

NM_000122.2(ERCC3):c.890T>C (p.Phe297Ser)

Gene: ERCC3 (ERCC excision repair 3, TFIIH core complex helicase subunit; minus strand). Cytogenetic location: 2q14.3.
Variant type: single nucleotide variant.
Coding change: c.890T>C on transcript NM_000122.2 (MANE Select); coding-DNA position 890, T replaced by C.
Protein change: p.Phe297Ser; replaces phenylalanine 297 with serine.
Molecular consequence: missense variant.
Genome position (GRCh38, 1-based): chr2:127,288,797, A>G on the plus strand (T>C on the coding strand, the complement: ERCC3 is on the minus strand). VCF-style: chr2-127288797-A-G. GRCh37 (hg19) VCF-style: chr2-128046373-A-G.
Other names: c.698T>C, p.Phe233Ser (NM_001303416.2, NM_001303418.2); c.890T>C (NM_000122.1); short protein forms F233S, F297S.
Identifiers: ClinVar variation 1520987 (VCV001520987.7), dbSNP rs145267069, ClinGen allele CA1858413.
Genomic context (GRCh38, chr2:127,288,797, plus strand): 5'-CTGAGGACAGCTGTGGGCTTTAGGTCAATGTTGATATCAGGGTTGACAGAATCATTCCGG[A>G]AGTCATATTCTGCCAACAGAGGGTACTCCAGGTGGATGCAACGTTTCTGGAGTTCCTCAA-3'
Protein context (NP_000113.1, residues 287-307): LEYPLLAEYD[Phe297Ser]RNDSVNPDIN

ClinVar aggregate classification (germline): Uncertain significance. Review status: criteria provided, multiple submitters, no conflicts (2 of 4 stars). 2 submissions from 2 submitters: Uncertain significance (2). Last evaluated 2023-06-01.

Allele frequency attached by ClinVar (database versions not stated): TOPMed 0.00001; ExAC 0.00002; gnomAD 0.00003 and 0.00004; gnomAD exomes 0.00003 and 0.00005; ESP Exome Variant Server 0.00008.

Submissions (2):

GeneDx
Classification: Uncertain significance. Last evaluated: 2023-06-01. Review status: criteria provided, single submitter. Criteria: GeneDx Variant Classification Process June 2021. Collection method: clinical testing. Allele origin: germline. Affected: yes.
Comment: In silico analysis supports that this missense variant has a deleterious effect on protein structure/function; Observed in individuals with prostate cancer (Rantapero et al., 2020); This variant is associated with the following publications: (PMID: 32183364)

Labcorp Genetics (formerly Invitae), Labcorp
Classification: Uncertain significance. Last evaluated: 2021-11-26. Review status: criteria provided, single submitter. Criteria: Invitae Variant Classification Sherloc (09022015). Collection method: clinical testing. Allele origin: germline.
Comment: This sequence change replaces phenylalanine, which is neutral and non-polar, with serine, which is neutral and polar, at codon 297 of the ERCC3 protein (p.Phe297Ser). This variant is present in population databases (rs145267069, gnomAD 0.04%). This variant has not been reported in the literature in individuals affected with ERCC3-related conditions. Algorithms developed to predict the effect of missense changes on protein structure and function are either unavailable or do not agree on the potential impact of this missense change (SIFT: "Deleterious"; PolyPhen-2: "Probably Damaging"; Align-GVGD: "Class C0"). In summary, the available evidence is currently insufficient to determine the role of this variant in disease. Therefore, it has been classified as a Variant of Uncertain Significance.